The following continues an entry in ClinVar:

NM_017909.4(RMND1):c.713A>G (p.Asn238Ser)

Gene: RMND1. ClinVar aggregate classification (germline): Pathogenic. Pathogenic (12).

Submissions 14 to 18 of 18:

Mitochondrial Research Group, Newcastle University
Classification: Pathogenic for Mitochondrial disease. Last evaluated: 2015-12-22. Review status: no assertion criteria provided. Collection method: clinical testing. Allele origin: germline. Affected: yes. Not counted in ClinVar's aggregate classification.

Sydney Genome Diagnostics, Children's Hospital Westmead
Classification: Pathogenic for Nephronophthisis. Last evaluated: 2014-08-10. Review status: no assertion criteria provided. Collection method: clinical testing. Allele origin: unknown. Affected: yes. Observed: 1 variant allele, 1 compound heterozygote. Not counted in ClinVar's aggregate classification.
Comment: This variant has been previously reported in conjunction with a second pathogenic variant in a patient with epileptic encephalopathy and lactic acidosis. Functional studies have shown that this variant causes a decrease in the level of RMND1 protein (Janer et al 2015: European Journal of Human Genetics, 1-7). This variant is therefore considered to be pathogenic.

Diagnostic Laboratory, Department of Genetics, University Medical Center Groningen
Classification: Likely pathogenic. Review status: no assertion criteria provided. Collection method: clinical testing. Allele origin: germline. Affected: yes. Study: VKGL Data-share Consensus. Not counted in ClinVar's aggregate classification.

Joint Genome Diagnostic Labs from Nijmegen and Maastricht, Radboudumc and MUMC+
Classification: Pathogenic. Review status: no assertion criteria provided. Collection method: clinical testing. Allele origin: germline. Affected: yes. Study: VKGL Data-share Consensus. Not counted in ClinVar's aggregate classification.

Department of Molecular and Human Genetics, Baylor College of Medicine
Classification: Uncertain significance for Combined oxidative phosphorylation defect type 11. Last evaluated: 2020-04-16. Review status: flagged submission. Criteria: ACMG Guidelines, 2015. Collection method: clinical testing. Allele origin: inherited. Affected: yes. Observed: 1 heterozygote. Not counted in ClinVar's aggregate classification.
ClinVar note: Reason: Outlier claim with insufficient supporting evidence

Literature cited by the submitters: PubMed 25604853 (cited by 6 submitters); PubMed 26395190 (cited by 5 submitters); PubMed 31506229 (cited by 5 submitters); PubMed 31568715 (cited by 3 submitters); PubMed 25058219 (cited by Ambry Genetics and Laboratory for Molecular Medicine, Mass General Brigham Personalized Medicine); PubMed 27159321 (cited by Ambry Genetics and Laboratory for Molecular Medicine, Mass General Brigham Personalized Medicine); PubMed 27350610 (cited by Ambry Genetics and Laboratory for Molecular Medicine, Mass General Brigham Personalized Medicine); PubMed 27412952 (cited by 3 submitters); PubMed 27843092 (cited by Ambry Genetics and Laboratory for Molecular Medicine, Mass General Brigham Personalized Medicine); PubMed 28939701 (cited by Ambry Genetics); PubMed 29671881 (cited by Ambry Genetics and OMIM); PubMed 25326635 (cited by Baylor Genetics); PubMed 35901949 (cited by OMIM); PubMed 37584739 (cited by OMIM); PubMed 39493792 (cited by OMIM); Hamosh, A. Personal Communication. 2025. Baltimore, Md. (cited by OMIM); PubMed 32576985 (cited by Department of Molecular and Human Genetics, Baylor College of Medicine).